The following is an entry in ClinVar:

ClinVar aggregate classification (germline): Uncertain significance (1 of 4 stars; one submission).

Submission:

Labcorp Genetics (formerly Invitae), Labcorp
Classification: Uncertain significance. Last evaluated: 2022-01-16. Review status: criteria provided, single submitter. Criteria: Invitae Variant Classification Sherloc (09022015). Collection method: clinical testing. Allele origin: germline.
Comment: This sequence change replaces lysine, which is basic and polar, with asparagine, which is neutral and polar, at codon 909 of the COL18A1 protein (p.Lys909Asn). This variant also falls at the last nucleotide of exon 33, which is part of the consensus splice site for this exon. In summary, the available evidence is currently insufficient to determine the role of this variant in disease. Therefore, it has been classified as a Variant of Uncertain Significance. Variants that disrupt the consensus splice site are a relatively common cause of aberrant splicing (PMID: 17576681, 9536098). Experimental studies and prediction algorithms are not available or were not evaluated, and the functional significance of this variant is currently unknown. This variant has not been reported in the literature in individuals affected with COL18A1-related conditions. This variant is not present in population databases (gnomAD no frequency).

Literature cited by the submitters: PubMed 17576681; PubMed 9536098.

NM_001379500.1(COL18A1):c.2727G>C (p.Lys909Asn)

Genes: COL18A1 (collagen type XVIII alpha 1 chain; plus strand), SLC19A1 (solute carrier family 19 member 1; minus strand). Cytogenetic location: 21q22.3.
Variant type: single nucleotide variant.
Coding change: c.2727G>C on transcript NM_001379500.1 (MANE Select); coding-DNA position 2727, G replaced by C.
Protein change: p.Lys909Asn; replaces lysine 909 with asparagine.
Molecular consequence: missense variant.
Genome position (GRCh38, 1-based): chr21:45,504,054, G>C. VCF-style: chr21-45504054-G-C. GRCh37 (hg19) VCF-style: chr21-46923968-G-C.
Other names: c.3267G>C, p.Lys1089Asn (NM_030582.4); c.3972G>C, p.Lys1324Asn (NM_130444.3); short protein forms K1089N, K909N, K1324N.
Identifiers: ClinVar variation 2066695 (VCV002066695.4), dbSNP rs777297147, ClinGen allele CA410499079.